The following is an entry in ClinVar:

ClinVar aggregate classification (germline): Uncertain significance (1 of 4 stars; one submission).

Conditions:
Coffin-Siris syndrome 1 (CSS1). Also called: ARID1B-Related Coffin-Siris Syndrome; Mental retardation, autosomal dominant 12. Identifiers: Orphanet 1465, MedGen C3281201, MONDO:0007617, OMIM 135900. Disease mechanism: gain of function.

Submission:

Victorian Clinical Genetics Services, Murdoch Childrens Research Institute
Classification: Uncertain significance for Coffin-Siris syndrome 1. Last evaluated: 2019-08-28. Review status: criteria provided, single submitter. Criteria: ACMG Guidelines, 2015. Collection method: clinical testing. Allele origin: germline. Inheritance: Autosomal dominant inheritance. Affected: yes.
Comment: A heterozygous missense variant was identified, NM_020732.3(ARID1B):c.6160C>T in exon 20 of 20 of the ARID1B gene. This substitution is predicted to create a moderate amino acid change from histidine to tyrosine at position 2054 of the protein, NP_065783.3(ARID1B):p.(His2054Tyr). The histidine at this position is conserved in mammals and birds (100 vertebrates, UCSC), and is located within the BAF250_C functional domain. In silico software predicts this variant to be disease causing (Polyphen, SIFT, CADD, Mutation Taster). The variant is not present in the gnomAD population database. The variant has not been previously reported in a clinical testing setting. Based on information available at the time of curation, this variant has been classified as a VARIANT of UNCERTAIN SIGNIFICANCE (VUS).

NM_001374828.1(ARID1B):c.6529C>T (p.His2177Tyr)

Gene: ARID1B (AT-rich interaction domain 1B; plus strand). Cytogenetic location: 6q25.3.
Variant type: single nucleotide variant.
Coding change: c.6529C>T on transcript NM_001374828.1 (MANE Select); coding-DNA position 6529, C replaced by T.
Protein change: p.His2177Tyr; replaces histidine 2177 with tyrosine.
Molecular consequence: missense variant.
Genome position (GRCh38, 1-based): chr6:157,207,301, C>T. VCF-style: chr6-157207301-C-T. GRCh37 (hg19) VCF-style: chr6-157528435-C-T.
Other names: c.6280C>T, p.His2094Tyr (NM_001346813.1); c.4030C>T, p.His1344Tyr (NM_001363725.2); c.6409C>T, p.His2137Tyr (NM_001371656.1, NM_001374820.1); c.6370C>T, p.His2124Tyr (NM_017519.3); c.6160C>T, p.His2054Tyr (NM_020732.3); c.5947C>T, p.His1983Tyr (NM_175863.2); short protein forms H1344Y, H1983Y, H2054Y, H2094Y, H2124Y, H2137Y, H2177Y.
Identifiers: ClinVar variation 1804979 (VCV001804979.1), dbSNP rs2128397469, ClinGen allele CA366248481.